The following is an entry in ClinVar:

NM_000179.3(MSH6):c.4002-2A>G

Gene: MSH6 (mutS homolog 6; plus strand). Cytogenetic location: 2p16.3.
Variant type: single nucleotide variant.
Coding change: c.4002-2A>G on transcript NM_000179.3 (MANE Select); the canonical splice acceptor site of the intron before coding-DNA position 4002, A replaced by G.
Molecular consequence: splice acceptor variant. On other transcripts: intron variant (3).
Genome position (GRCh38, 1-based): chr2:47,806,777, A>G. VCF-style: chr2-47806777-A-G. GRCh37 (hg19) VCF-style: chr2-48033916-A-G.
Other names: c.4002-2A>G (NM_001406809.1, NM_001406796.1); c.3096-2A>G (NM_001406811.1, NM_001406814.1, NM_001281493.2 and 6 more transcripts); c.3705-2A>G (NM_001406805.1, NM_001406797.1, NM_001406818.1 and 8 more transcripts); c.4098-2A>G (NM_001406795.1); c.3898-2A>G (NM_001406802.1); c.4008-2A>G (NM_001406813.1); c.3477-2A>G (NM_001406807.1, NM_001406799.1, NM_001406806.1); c.4002-7A>G (NM_001406808.1); and 11 more.
Identifiers: ClinVar variation 237206 (VCV000237206.15), dbSNP rs878853745, ClinGen allele CA10582095.
Genomic context (GRCh38, chr2:47,806,777, plus strand): 5'-GGAAGGGATGATGCACTATGAAAAAACAAAAAAACTTTTTTTTTTTTTTTTTTAATTTTA[A>G]GGGAAGTTTGCCTGGCTAGTGAAAGGTCAACTGTAGATGCTGAAGCTGTCCATAAATTGC-3'

ClinVar aggregate classification (germline): Likely pathogenic. Review status: criteria provided, multiple submitters, no conflicts (2 of 4 stars). 3 submissions from 3 submitters: Likely pathogenic (3). Last evaluated 2024-06-12.

Conditions:
Hereditary nonpolyposis colorectal neoplasms. Identifiers: MedGen C0009405, MeSH D003123.
Hereditary cancer-predisposing syndrome. Also called: Hereditary neoplastic syndrome; Hereditary Cancer Syndrome; Neoplastic Syndromes, Hereditary; Tumor predisposition. Identifiers: Orphanet 140162, MedGen C0027672, MeSH D009386, MONDO:0015356.
Lynch syndrome 5 (LYNCH5). Also called: Hereditary non-polyposis colorectal cancer, type 5; Colorectal cancer, hereditary nonpolyposis, type 5. Identifiers: Orphanet 144, MedGen C1833477, MONDO:0013710, OMIM 614350. Disease mechanism: loss of function.

Submissions (4):

Labcorp Genetics (formerly Invitae), Labcorp
Classification: Likely pathogenic for Hereditary nonpolyposis colorectal neoplasms. Last evaluated: 2024-06-12. Review status: criteria provided, single submitter. Criteria: Invitae Variant Classification Sherloc (09022015). Collection method: clinical testing. Allele origin: germline.
Comment: This sequence change affects an acceptor splice site in intron 9 of the MSH6 gene. While this variant is not anticipated to result in nonsense mediated decay, it likely alters RNA splicing and results in a disrupted protein product. This variant is not present in population databases (gnomAD no frequency). Disruption of this splice site has been observed in individual(s) with colon cancer (PMID: 29237405). ClinVar contains an entry for this variant (Variation ID: 237206). Variants that disrupt the consensus splice site are a relatively common cause of aberrant splicing (PMID: 17576681, 9536098). Algorithms developed to predict the effect of sequence changes on RNA splicing suggest that this variant may disrupt the consensus splice site. In summary, the currently available evidence indicates that the variant is pathogenic, but additional data are needed to prove that conclusively. Therefore, this variant has been classified as Likely Pathogenic.

Myriad Genetics, Inc.
Classification: Likely pathogenic for Lynch syndrome 5. Last evaluated: 2023-08-29. Review status: criteria provided, single submitter. Criteria: Myriad Autosomal Dominant, Autosomal Recessive and X-Linked Classification Criteria (2023). Collection method: clinical testing. Allele origin: unknown.
Comment: This variant is considered likely pathogenic. This variant occurs within a consensus splice junction and is predicted to result in abnormal mRNA splicing of either an out-of-frame exon or an in-frame exon necessary for protein stability and/or normal function.

Color Diagnostics, LLC DBA Color Health
Classification: Likely pathogenic for Hereditary cancer-predisposing syndrome. Last evaluated: 2019-04-05. Review status: criteria provided, single submitter. Criteria: ACMG Guidelines, 2015. Collection method: clinical testing. Allele origin: germline.

Dr. Peter K. Rogan Lab, Western University
No classification provided (evidence only). Condition: Ovarian serous cystadenocarcinoma. Review status: no classification provided. Collection method: in vitro. Allele origin: not applicable. Functional consequence: retained intron. Not counted in ClinVar's aggregate classification.

Literature cited by the submitters: PubMed 29237405 (cited by Labcorp Genetics (formerly Invitae), Labcorp); PubMed 17576681 (cited by Labcorp Genetics (formerly Invitae), Labcorp); PubMed 9536098 (cited by Labcorp Genetics (formerly Invitae), Labcorp).